The following is an entry in ClinVar:

ClinVar aggregate classification (germline): Likely benign (1 of 4 stars; one submission).

Allele frequency attached by ClinVar (database versions not stated): 1000 Genomes Project 0.00499; 1000 Genomes Project 30x 0.00547; gnomAD 0.00572 and 0.00612; TOPMed 0.00613.
gnomAD v4.1: 863 of 152,286 alleles (0.57%); highest among the groups gnomAD compares: African/African-American, 1.8%; 12 homozygotes.

Submission:

GeneDx
Classification: Likely benign. Last evaluated: 2018-06-16. Review status: criteria provided, single submitter. Criteria: GeneDx Variant Classification (06012015). Collection method: clinical testing. Allele origin: germline. Affected: yes.
Comment: This variant is considered likely benign or benign based on one or more of the following criteria: it is a conservative change, it occurs at a poorly conserved position in the protein, it is predicted to be benign by multiple in silico algorithms, and/or has population frequency not consistent with disease.

NM_004519.4(KCNQ3):c.1569-200G>A

Gene: KCNQ3 (potassium voltage-gated channel subfamily Q member 3; minus strand). Cytogenetic location: 8q24.22.
Variant type: single nucleotide variant.
Coding change: c.1569-200G>A on transcript NM_004519.4 (MANE Select); 200 bases into the intron before coding-DNA position 1569, G replaced by A.
Molecular consequence: intron variant.
Genome position (GRCh38, 1-based): chr8:132,138,216, C>T on the plus strand (G>A on the coding strand, the complement: KCNQ3 is on the minus strand). VCF-style: chr8-132138216-C-T. GRCh37 (hg19) VCF-style: chr8-133150463-C-T.
Other names: c.1209-200G>A (NM_001204824.2).
Identifiers: ClinVar variation 677506 (VCV000677506.1), dbSNP rs115121285, ClinGen allele CA185432217.